The following is an entry in ClinVar:

ClinVar aggregate classification (germline): Likely pathogenic. Review status: criteria provided, multiple submitters, no conflicts (2 of 4 stars). 2 submissions from 2 submitters: Likely pathogenic (2). Last evaluated 2025-08-22.

Conditions:
Congenital muscular dystrophy due to integrin alpha-7 deficiency. Also called: MYOPATHY, CONGENITAL, DUE TO INTEGRIN ALPHA-7 DEFICIENCY; Congenital muscular dystrophy with integrin alpha-7 deficiency; Muscular dystrophy, congenital, due to ITGA7 deficiency. Identifiers: Orphanet 34520, MedGen C2750786, MONDO:0013177, OMIM 613204.

Allele frequency attached by ClinVar (database versions not stated): gnomAD exomes below 0.00001; 1000 Genomes Project 30x 0.00016; ExAC 0.00001; gnomAD 0.00001; 1000 Genomes Project 0.00020.
gnomAD v4.1: 6 of 1,614,246 alleles (0.00037%); highest among the groups gnomAD compares: South Asian, 0.0066%; no homozygotes.

Submissions (2):

GeneDx
Classification: Likely pathogenic. Last evaluated: 2025-08-22. Review status: criteria provided, single submitter. Criteria: GeneDx Variant Classification Process June 2021. Collection method: clinical testing. Allele origin: germline.
Comment: Nonsense variant predicted to result in protein truncation or nonsense mediated decay in a gene for which loss of function is a known mechanism of disease; Not observed at significant frequency in large population cohorts (gnomAD); Has not been previously published as pathogenic or benign to our knowledge

Revvity Omics, Revvity
Classification: Likely pathogenic for Congenital muscular dystrophy due to integrin alpha-7 deficiency. Last evaluated: 2025-04-21. Review status: criteria provided, single submitter. Criteria: ACMG Guidelines, 2015. Collection method: clinical testing. Allele origin: germline.

NM_002206.3(ITGA7):c.463G>T (p.Glu155Ter)

Gene: ITGA7 (integrin subunit alpha 7; minus strand). Cytogenetic location: 12q13.2.
Variant type: single nucleotide variant.
Coding change: c.463G>T on transcript NM_002206.3 (MANE Select); coding-DNA position 463, G replaced by T.
Protein change: p.Glu155Ter; replaces glutamic acid 155 with a stop codon.
Molecular consequence: nonsense. On other transcripts: 5 prime UTR variant (1), intron variant (1).
Genome position (GRCh38, 1-based): chr12:55,701,106, C>A on the plus strand (G>T on the coding strand, the complement: ITGA7 is on the minus strand). VCF-style: chr12-55701106-C-A. GRCh37 (hg19) VCF-style: chr12-56094890-C-A.
Other names: c.463G>T, p.Glu155Ter (NM_001144996.2, NM_001374465.1, NM_001410977.1 and 5 more transcripts); c.172G>T, p.Glu58Ter (NM_001144997.2); c.124G>T, p.Glu42Ter (NM_001367993.1, NM_001414035.1); c.-710G>T (NM_001367994.1); c.415-135G>T (NM_001414033.1); short protein forms E155*, E42*, E58*.
Identifiers: ClinVar variation 2580762 (VCV002580762.3), dbSNP rs549230992, ClinGen allele CA6616303.
Genomic context (GRCh38, chr12:55,701,106, plus strand): 5'-CATCCCGGATGGCCAGGTCCTGGCTGAGCACAAAGCAGCGACCAATCATATCCCGCGTCT[C>A]CAGGATCTGGTCCACTCGCTGCCTTGCCTCATATCGGTGTGCACAGGTCTGGGGGAGGAA-3'